The following is an entry in ClinVar:

ClinVar aggregate classification (germline): Uncertain significance. Review status: criteria provided, multiple submitters, no conflicts (2 of 4 stars). 2 submissions from 2 submitters: Uncertain significance (2). Last evaluated 2024-10-22.

Conditions:
Myofibrillar myopathy 5. Also called: Filaminopathy (type); FILAMINOPATHY, AUTOSOMAL DOMINANT. Identifiers: Orphanet 171445, MedGen C1836050, MONDO:0012289, OMIM 609524.
Hypertrophic cardiomyopathy 26. Also called: Cardiomyopathy, familial hypertrophic, 26. Identifiers: Orphanet 75249, MedGen C4310749, MONDO:0014883, OMIM 617047.
Distal myopathy with posterior leg and anterior hand involvement. Also called: WILLIAMS DISTAL MYOPATHY. Identifiers: Orphanet 63273, MedGen C3279722, MONDO:0013550, OMIM 614065.

Submissions (2):

Labcorp Genetics (formerly Invitae), Labcorp
Classification: Uncertain significance for Distal myopathy with posterior leg and anterior hand involvement; Myofibrillar myopathy 5; Hypertrophic cardiomyopathy 26. Last evaluated: 2024-10-22. Review status: criteria provided, single submitter. Criteria: Invitae Variant Classification Sherloc (09022015). Collection method: clinical testing. Allele origin: germline.
Comment: This sequence change replaces leucine, which is neutral and non-polar, with proline, which is neutral and non-polar, at codon 133 of the FLNC protein (p.Leu133Pro). This variant is not present in population databases (gnomAD no frequency). This variant has not been reported in the literature in individuals affected with FLNC-related conditions. ClinVar contains an entry for this variant (Variation ID: 837840). Invitae Evidence Modeling of protein sequence and biophysical properties (such as structural, functional, and spatial information, amino acid conservation, physicochemical variation, residue mobility, and thermodynamic stability) has been performed for this missense variant. However, the output from this modeling did not meet the statistical confidence thresholds required to predict the impact of this variant on FLNC protein function. In summary, the available evidence is currently insufficient to determine the role of this variant in disease. Therefore, it has been classified as a Variant of Uncertain Significance.

GeneDx
Classification: Uncertain significance. Last evaluated: 2020-01-20. Review status: criteria provided, single submitter. Criteria: GeneDx Variant Classification Process June 2021. Collection method: clinical testing. Allele origin: germline. Affected: yes.
Comment: Has not been previously published as pathogenic or benign to our knowledge; Not observed in large population cohorts (Lek et al., 2016); In silico analysis, which includes protein predictors and evolutionary conservation, supports a deleterious effect

NM_001458.5(FLNC):c.398T>C (p.Leu133Pro)

Gene: FLNC (filamin C; plus strand). Cytogenetic location: 7q32.1.
Variant type: single nucleotide variant.
Coding change: c.398T>C on transcript NM_001458.5 (MANE Select); coding-DNA position 398, T replaced by C.
Protein change: p.Leu133Pro; replaces leucine 133 with proline.
Molecular consequence: missense variant.
Genome position (GRCh38, 1-based): chr7:128,835,371, T>C. VCF-style: chr7-128835371-T-C. GRCh37 (hg19) VCF-style: chr7-128475425-T-C.
Other names: c.398T>C, p.Leu133Pro (NM_001127487.2); short protein forms L133P.
Identifiers: ClinVar variation 837840 (VCV000837840.13), dbSNP rs1808053502, ClinGen allele CA369218793.